The following is an entry in ClinVar:

ClinVar aggregate classification (germline): Benign/Likely benign. Review status: criteria provided, multiple submitters, no conflicts (2 of 4 stars). 3 submissions from 3 submitters: Benign (2); Likely benign (1). Last evaluated 2026-08-01.

Allele frequency attached by ClinVar (database versions not stated): gnomAD 0.00019; 1000 Genomes Project 0.00060; TOPMed 0.00062; 1000 Genomes Project 30x 0.00078; ExAC 0.00169; gnomAD exomes 0.00179.
gnomAD v4.1: 524 of 1,606,918 alleles (0.033%); highest among the groups gnomAD compares: Admixed American, 0.85%; 8 homozygotes.

Submissions (3):

CeGaT Center for Human Genetics Tuebingen
Classification: Likely benign. Last evaluated: 2026-08-01. Review status: criteria provided, single submitter. Criteria: CeGaT Center For Human Genetics Tuebingen Variant Classification Criteria Version 2. Collection method: clinical testing. Allele origin: germline. Affected: yes. Observed: 4 variant alleles.
Comment: UFSP2: BP4, BS2

Labcorp Genetics (formerly Invitae), Labcorp
Classification: Benign. Last evaluated: 2019-12-31. Review status: criteria provided, single submitter. Criteria: Invitae Variant Classification Sherloc (09022015). Collection method: clinical testing. Allele origin: germline.

Breakthrough Genomics
Classification: Benign. Review status: criteria provided, single submitter. Criteria: ACMG Guidelines, 2015. Collection method: not provided. Allele origin: germline. Inheritance: Autosomal recessive inheritance. Affected: yes.

NM_018359.5(UFSP2):c.704A>G (p.Asn235Ser)

Genes: UFSP2 (UFM1 specific peptidase 2; minus strand), CFAP96 (cilia and flagella associated protein 96; plus strand). Cytogenetic location: 4q35.1.
Variant type: single nucleotide variant.
Coding change: c.704A>G on transcript NM_018359.5 (MANE Select); coding-DNA position 704, A replaced by G.
Protein change: p.Asn235Ser; replaces asparagine 235 with serine.
Molecular consequence: missense variant. On other transcripts: non-coding transcript variant (2).
Genome position (GRCh38, 1-based): chr4:185,413,853, T>C on the plus strand (A>G on the coding strand, the complement: UFSP2 is on the minus strand). VCF-style: chr4-185413853-T-C. GRCh37 (hg19) VCF-style: chr4-186335007-T-C.
Other names: short protein forms N235S.
Identifiers: ClinVar variation 737877 (VCV000737877.9), dbSNP rs188710819, ClinGen allele CA3158520.
Genomic context (GRCh38, chr4:185,413,853, plus strand): 5'-GGCTCATCTGGAAAGTGATAAGCATTAGACCTTTTGAAATAGGGTCTGTCGTGAGGCAGA[T>C]TGAAAAGATCATGTAACTCCTAAAATAAATCAGAATCAACAGAAAAAGAAAAAATGTTGG-3'
Protein context (NP_060829.2, residues 225-245): AYRKELHDLF[Asn235Ser]LPHDRPYFKR